The following is an entry in ClinVar:

NM_178822.5(IGSF10):c.1046A>G (p.Asn349Ser)

Gene: IGSF10 (immunoglobulin superfamily member 10; minus strand). Cytogenetic location: 3q25.1.
Variant type: single nucleotide variant.
Coding change: c.1046A>G on transcript NM_178822.5 (MANE Select); coding-DNA position 1046, A replaced by G.
Protein change: p.Asn349Ser; replaces asparagine 349 with serine.
Molecular consequence: missense variant.
Genome position (GRCh38, 1-based): chr3:151,448,935, T>C on the plus strand (A>G on the coding strand, the complement: IGSF10 is on the minus strand). VCF-style: chr3-151448935-T-C. GRCh37 (hg19) VCF-style: chr3-151166723-T-C.
Other names: c.1046A>G, p.Asn349Ser (NM_001385060.1, NM_001385061.1, NM_001385062.1 and 1 more transcripts); short protein forms N349S.
Identifiers: ClinVar variation 3668317 (VCV003668317.3).

ClinVar aggregate classification (germline): Uncertain significance (1 of 4 stars; one submission).

gnomAD v4.1: 2,406 of 1,614,232 alleles (0.15%); highest among the groups gnomAD compares: Non-Finnish European, 0.2%; 3 homozygotes.

Submissions (2):

Labcorp Genetics (formerly Invitae), Labcorp
Classification: Uncertain significance. Last evaluated: 2025-07-22. Review status: criteria provided, single submitter. Criteria: Invitae Variant Classification Sherloc (09022015). Collection method: clinical testing. Allele origin: germline.
Comment: This sequence change replaces asparagine, which is neutral and polar, with serine, which is neutral and polar, at codon 349 of the IGSF10 protein (p.Asn349Ser). This variant is present in population databases (rs115845945, gnomAD 0.1%), and has an allele count higher than expected for a pathogenic variant. This missense change has been observed in individual(s) with isolated hypogonadotropic hypogonadism (PMID: 36268624). ClinVar contains an entry for this variant (Variation ID: 3668317). An algorithm developed to predict the effect of missense changes on protein structure and function outputs the following: PolyPhen-2: "Benign". The serine amino acid residue is found in multiple mammalian species, which suggests that this missense change does not adversely affect protein function. In summary, the available evidence is currently insufficient to determine the role of this variant in disease. Therefore, it has been classified as a Variant of Uncertain Significance.

Dr. Peter K. Rogan Lab, Western University
No classification provided (evidence only). Condition: Lung cancer. Review status: no classification provided. Collection method: in vitro. Allele origin: not applicable. Functional consequence: retained intron. Not counted in ClinVar's aggregate classification.

Literature cited by the submitters: PubMed 36268624 (cited by Labcorp Genetics (formerly Invitae), Labcorp).